The following is an entry in ClinVar:

ClinVar aggregate classification (germline): Likely pathogenic. Review status: criteria provided, multiple submitters, no conflicts (2 of 4 stars). 3 submissions from 3 submitters: Likely pathogenic (2). 1 of the submissions does not count toward it. Last evaluated 2024-04-20.

Conditions:
Achondrogenesis, type IB (ACG1B). Also called: Achondrogenesis Type 1B. Identifiers: Orphanet 932, Orphanet 93298, MedGen C0265274, MONDO:0010966, OMIM 600972.
Multiple epiphyseal dysplasia type 4 (EDM4). Also called: MULTIPLE EPIPHYSEAL DYSPLASIA, AUTOSOMAL RECESSIVE; MULTIPLE EPIPHYSEAL DYSPLASIA WITH BILAYERED PATELLAE; MULTIPLE EPIPHYSEAL DYSPLASIA WITH CLUBFOOT; Multiple Epiphyseal Dysplasia, Recessive; SLC26A2-Related Multiple Epiphyseal Dysplasia. Identifiers: Orphanet 93307, MedGen C1847593, MONDO:0009189, OMIM 226900.
Atelosteogenesis type II (AO2). Also called: NEONATAL OSSEOUS DYSPLASIA I; SLC26A2-Related Atelosteogenesis; Neonatal osseous dysplasia 1. Identifiers: Orphanet 56304, MedGen C1850554, MONDO:0009727, OMIM 256050.
Diastrophic dysplasia (DTD). Also called: Diastrophic dwarfism. Identifiers: Orphanet 628, MedGen C0220726, MONDO:0009107, OMIM 222600.

Submissions (3):

Fulgent Genetics
Classification: Likely pathogenic for Diastrophic dysplasia; Multiple epiphyseal dysplasia type 4; Atelosteogenesis type II; Achondrogenesis, type IB. Last evaluated: 2024-04-20. Review status: criteria provided, single submitter. Criteria: ACMG Guidelines, 2015. Collection method: clinical testing. Allele origin: germline.

Baylor Genetics
Classification: Likely pathogenic for Achondrogenesis, type IB. Last evaluated: 2023-06-06. Review status: criteria provided, single submitter. Criteria: ACMG Guidelines, 2015. Collection method: clinical testing. Allele origin: unknown.

Juha Muilu Group; Institute for Molecular Medicine Finland (FIMM)
Classification: Likely pathogenic for Diastrophic dysplasia. Review status: no assertion criteria provided. Collection method: not provided. Allele origin: unknown. Not counted in ClinVar's aggregate classification.
Comment: FinDis database variant: This variant was not found or characterized by our laboratory, data were collected from public sources: see reference
ClinVar note: Converted during submission from probable-pathogenic to Likely pathogenic.

NM_000112.4(SLC26A2):c.47C>G (p.Ser16Ter)

Gene: SLC26A2 (solute carrier family 26 member 2; plus strand). Cytogenetic location: 5q32.
Variant type: single nucleotide variant.
Coding change: c.47C>G on transcript NM_000112.4 (MANE Select); coding-DNA position 47, C replaced by G.
Protein change: p.Ser16Ter; replaces serine 16 with a stop codon.
Molecular consequence: nonsense.
Genome position (GRCh38, 1-based): chr5:149,977,699, C>G. VCF-style: chr5-149977699-C-G. GRCh37 (hg19) VCF-style: chr5-149357262-C-G.
Other names: short protein forms S16*.
Identifiers: ClinVar variation 56024 (VCV000056024.4), dbSNP rs386833505, ClinGen allele CA263266.